The following is an entry in ClinVar:

NM_000238.4(KCNH2):c.1653C>G (p.Phe551Leu)

Gene: KCNH2 (potassium voltage-gated channel subfamily H member 2; minus strand). Cytogenetic location: 7q36.1.
Variant type: single nucleotide variant.
Coding change: c.1653C>G on transcript NM_000238.4 (MANE Select); coding-DNA position 1653, C replaced by G.
Protein change: p.Phe551Leu; replaces phenylalanine 551 with leucine.
Molecular consequence: missense variant. On other transcripts: non-coding transcript variant (2).
Genome position (GRCh38, 1-based): chr7:150,951,740, G>C on the plus strand (C>G on the coding strand, the complement: KCNH2 is on the minus strand). VCF-style: chr7-150951740-G-C. GRCh37 (hg19) VCF-style: chr7-150648828-G-C.
Other names: c.633C>G, p.Phe211Leu (NM_001204798.2, NM_172057.3); c.1365C>G, p.Phe455Leu (NM_001406753.1, NM_001406756.1); c.1476C>G, p.Phe492Leu (NM_001406755.1); c.1353C>G, p.Phe451Leu (NM_001406757.1); c.1653C>G, p.Phe551Leu (NM_172056.3); short protein forms F211L, F451L, F455L, F492L, F551L.
Identifiers: ClinVar variation 3714044 (VCV003714044.3).

ClinVar aggregate classification (germline): Uncertain significance. Review status: criteria provided, multiple submitters, no conflicts (2 of 4 stars). 2 submissions from 2 submitters: Uncertain significance (2). Last evaluated 2025-07-09.

Conditions:
Long QT syndrome (LQTS). Identifiers: MedGen C0023976, MeSH D008133, MONDO:0002442. Disease mechanism: loss of function. Inheritance: Various modes of inheritance.
Cardiac arrhythmia. Also called: Arrhythmia; Cardiac rhythm disease. Identifiers: MedGen C0003811, MONDO:0007263, HP:0011675.

gnomAD v4.1: 1 of 1,611,870 alleles (0.000062%); highest among the groups gnomAD compares: Non-Finnish European, 0.000085%; no homozygotes.

Submissions (2):

Color Diagnostics, LLC DBA Color Health
Classification: Uncertain significance for Cardiac arrhythmia. Last evaluated: 2025-07-09. Review status: criteria provided, single submitter. Criteria: ACMG Guidelines, 2015. Collection method: clinical testing. Allele origin: germline.
Comment: This missense variant replaces phenylalanine with leucine at codon 551 of the KCNH2 protein. Computational prediction is inconclusive regarding the impact of this variant on protein structure and function. An in vitro study has shown that this variant causes reduced current activation (PMID: 20876384). This variant has been reported in an individual affected with sudden cardiac arrest (PMID: 30975432). This variant has been identified in 1/31390 chromosomes in the general population by the Genome Aggregation Database (gnomAD). The available evidence is insufficient to determine the role of this variant in disease conclusively. Therefore, this variant is classified as a Variant of Uncertain Significance.

Labcorp Genetics (formerly Invitae), Labcorp
Classification: Uncertain significance for Long QT syndrome. Last evaluated: 2024-04-02. Review status: criteria provided, single submitter. Criteria: Invitae Variant Classification Sherloc (09022015). Collection method: clinical testing. Allele origin: germline.
Comment: This sequence change replaces phenylalanine, which is neutral and non-polar, with leucine, which is neutral and non-polar, at codon 551 of the KCNH2 protein (p.Phe551Leu). This variant is present in population databases (no rsID available, gnomAD 0.007%). This missense change has been observed in individual(s) with sudden cardiac arrest (PMID: 30975432). An algorithm developed to predict the effect of missense changes on protein structure and function (PolyPhen-2) suggests that this variant is likely to be tolerated. Experimental studies are conflicting or provide insufficient evidence to determine the effect of this variant on KCNH2 function (PMID: 20876384). In summary, the available evidence is currently insufficient to determine the role of this variant in disease. Therefore, it has been classified as a Variant of Uncertain Significance.

Literature cited by the submitters: PubMed 20876384 (cited by Color Diagnostics, LLC DBA Color Health and Labcorp Genetics (formerly Invitae), Labcorp); PubMed 30975432 (cited by Color Diagnostics, LLC DBA Color Health and Labcorp Genetics (formerly Invitae), Labcorp).